The following is an entry in ClinVar:

ClinVar aggregate classification (germline): Pathogenic. Review status: criteria provided, multiple submitters, no conflicts (2 of 4 stars). 6 submissions from 6 submitters: Pathogenic (6). Last evaluated 2026-05-08.

Conditions:
Intellectual developmental disorder with gastrointestinal difficulties and high pain threshold (JDVS). Also called: JANSEN-DE VRIES SYNDROME. Identifiers: Orphanet 653767, MedGen C4479517, MONDO:0044318, OMIM 617450.
Inborn genetic diseases. Identifiers: MedGen C0950123, MeSH D030342.

Allele frequency attached by ClinVar (database versions not stated): gnomAD exomes below 0.00001.

Submissions (6):

Department of Human Genetics, Hannover Medical School
Classification: Pathogenic for Intellectual developmental disorder with gastrointestinal difficulties and high pain threshold. Last evaluated: 2026-05-08. Review status: criteria provided, single submitter. Criteria: ACMG Guidelines, 2015. Collection method: clinical testing. Allele origin: germline. Affected: yes.
Comment: ACMG/SVI: PVS1, PS2_Moderate, PS4_Moderate, PM2_Supporting

CeGaT Center for Human Genetics Tuebingen
Classification: Pathogenic. Last evaluated: 2026-04-01. Review status: criteria provided, single submitter. Criteria: CeGaT Center For Human Genetics Tuebingen Variant Classification Criteria Version 2. Collection method: clinical testing. Allele origin: germline. Affected: yes. Observed: 1 variant allele.
Comment: PPM1D: PS2:Very Strong, PS4, PVS1:Strong, PM2

Institute of Human Genetics, University of Leipzig Medical Center
Classification: Pathogenic for Intellectual developmental disorder with gastrointestinal difficulties and high pain threshold. Last evaluated: 2025-07-24. Review status: criteria provided, single submitter. Criteria: ACMG Guidelines, 2015. Collection method: clinical testing. Allele origin: unknown. Inheritance: Autosomal dominant inheritance. Affected: yes.
Comment: Criteria applied: PVS1,PS2,PS4_MOD,PM2_SUP

Labcorp Genetics (formerly Invitae), Labcorp
Classification: Pathogenic. Last evaluated: 2025-03-28. Review status: criteria provided, single submitter. Criteria: Invitae Variant Classification Sherloc (09022015). Collection method: clinical testing. Allele origin: germline.
Comment: This sequence change creates a premature translational stop signal (p.Gln404*) in the PPM1D gene. It is expected to result in an absent or disrupted protein product. However, the current clinical and genetic evidence is not sufficient to establish whether loss-of-function variants in PPM1D cause disease. This variant is not present in population databases (gnomAD no frequency). This premature translational stop signal has been observed in individual(s) with PPM1D-related conditions (PMID: 28343630, 33057194, 33528536, 35982159, 37183572). In at least one individual the variant was observed to be de novo. ClinVar contains an entry for this variant (Variation ID: 449085). For these reasons, this variant has been classified as Pathogenic.

Ambry Genetics
Classification: Pathogenic for Inborn genetic diseases. Last evaluated: 2021-11-22. Review status: criteria provided, single submitter. Criteria: Ambry Variant Classification Scheme 2023. Collection method: clinical testing. Allele origin: germline.
Comment: The c.1210C>T (p.Q404*) alteration, located in coding exon 5 of the PPM1D gene, results from a C to T substitution at nucleotide position 1210. his alteration occurs at the 3' terminus of the PPM1D gene, is not expected to trigger nonsense-mediated mRNA decay, and impacts the last 202 amino acids of the protein. Premature stop codons are typically deleterious in nature and the impacted region is critical for protein function (Ambry internal data). This variant was not reported in population-based cohorts in the Genome Aggregation Database (gnomAD). The p.Q404* alteration was reported as de novo in a patient with intellectual disability, hypotonia, broad-based gait, sensory integration problems, feeding difficulties, and dysmorphic features (Jansen, 2017). Other truncating alterations have been reported in the literature as disease-causing (Jansen, 2017; Porrmann, 2019; Kuroda, 2019). Truncating alterations in the last or penultimate exon of the PPM1D gene have been shown to result in a stable truncated mRNA product that lacks the nuclear localization signal (Jansen, 2017). Based on the available evidence, this alteration is classified as pathogenic.

GeneDx
Classification: Pathogenic. Last evaluated: 2021-11-11. Review status: criteria provided, single submitter. Criteria: GeneDx Variant Classification Process June 2021. Collection method: clinical testing. Allele origin: germline. Affected: yes.
Comment: Nonsense variant in the C-terminus predicted to result in protein truncation, as the last 202 amino acids are lost, and other loss-of-function variants have been reported downstream in the Human Gene Mutation Database (Stenson et al., 2014); Not observed in large population cohorts (Lek et al., 2016); This variant is associated with the following publications: (PMID: 26847329, 28343630)

Literature cited by the submitters: PubMed 28343630 (cited by Labcorp Genetics (formerly Invitae), Labcorp and Ambry Genetics); PubMed 33057194 (cited by Labcorp Genetics (formerly Invitae), Labcorp); PubMed 33528536 (cited by Labcorp Genetics (formerly Invitae), Labcorp); PubMed 35982159 (cited by Labcorp Genetics (formerly Invitae), Labcorp); PubMed 37183572 (cited by Labcorp Genetics (formerly Invitae), Labcorp); PubMed 29758292 (cited by Ambry Genetics); PubMed 30795918 (cited by Ambry Genetics).

NM_003620.4(PPM1D):c.1210C>T (p.Gln404Ter)

Gene: PPM1D (protein phosphatase, Mg2+/Mn2+ dependent 1D; plus strand). Cytogenetic location: 17q23.2.
Variant type: single nucleotide variant.
Coding change: c.1210C>T on transcript NM_003620.4 (MANE Select); coding-DNA position 1210, C replaced by T.
Protein change: p.Gln404Ter; replaces glutamine 404 with a stop codon.
Molecular consequence: nonsense.
Genome position (GRCh38, 1-based): chr17:60,656,791, C>T. VCF-style: chr17-60656791-C-T. GRCh37 (hg19) VCF-style: chr17-58734152-C-T.
Other names: short protein forms Q404*.
Identifiers: ClinVar variation 449085 (VCV000449085.14), dbSNP rs768126695, ClinGen allele CA400451584.
Genomic context (GRCh38, chr17:60,656,791, plus strand): 5'-AACTTTACCAATGAAGATGAGTTATACCTGAACCTGACTGACAGCCCTTCCTATAATAGT[C>T]AAGAAACCTGTGTGATGACTCCTTCCCCATGTTCTACACCACCAGTCAAGGTATATAGTT-3'